The following is an entry in ClinVar:

NM_001009994.3(RIPPLY2):c.325A>G (p.Ile109Val)

Genes: RIPPLY2 (ripply transcriptional repressor 2; plus strand), RIPPLY2-CYB5R4 (RIPPLY2-CYB5R4 readthrough; plus strand). Cytogenetic location: 6q14.2.
Variant type: single nucleotide variant.
Coding change: c.325A>G on transcript NM_001009994.3 (MANE Select); coding-DNA position 325, A replaced by G.
Protein change: p.Ile109Val; replaces isoleucine 109 with valine.
Molecular consequence: missense variant. On other transcripts: 3 prime UTR variant (1), non-coding transcript variant (2), intron variant (1).
Genome position (GRCh38, 1-based): chr6:83,857,327, A>G. VCF-style: chr6-83857327-A-G. GRCh37 (hg19) VCF-style: chr6-84567046-A-G.
Other names: c.388A>G, p.Ile130Val (NM_001400899.1); c.*3162A>G (NM_001400900.1); c.-28+3166A>G (NM_001400774.1); short protein forms I130V, I109V.
Identifiers: ClinVar variation 4704408 (VCV004704408.1).

ClinVar aggregate classification (germline): Uncertain significance (1 of 4 stars; one submission).

Submission:

Labcorp Genetics (formerly Invitae), Labcorp
Classification: Uncertain significance. Last evaluated: 2025-10-25. Review status: criteria provided, single submitter. Criteria: Invitae Variant Classification Sherloc (09022015). Collection method: clinical testing. Allele origin: germline.
Comment: This sequence change replaces isoleucine, which is neutral and non-polar, with valine, which is neutral and non-polar, at codon 109 of the RIPPLY2 protein (p.Ile109Val). This variant is present in population databases (rs541361470, gnomAD 0.004%). This variant has not been reported in the literature in individuals affected with RIPPLY2-related conditions. An algorithm developed to predict the effect of missense changes on protein structure and function (PolyPhen-2) suggests that this variant is likely to be disruptive. In summary, the available evidence is currently insufficient to determine the role of this variant in disease. Therefore, it has been classified as a Variant of Uncertain Significance.